The following is an entry in ClinVar:

ClinVar aggregate classification (germline): Uncertain significance (1 of 4 stars; one submission).

Allele frequency attached by ClinVar (database versions not stated): gnomAD exomes 0.00001.
gnomAD v4.1: 4 of 1,614,168 alleles (0.00025%); highest among the groups gnomAD compares: Non-Finnish European, 0.00034%; no homozygotes.

Submission:

Labcorp Genetics (formerly Invitae), Labcorp
Classification: Uncertain significance. Last evaluated: 2023-03-13. Review status: criteria provided, single submitter. Criteria: Invitae Variant Classification Sherloc (09022015). Collection method: clinical testing. Allele origin: germline.
Comment: This variant is present in population databases (rs574262103, gnomAD 0.002%). This sequence change replaces valine, which is neutral and non-polar, with leucine, which is neutral and non-polar, at codon 498 of the CDH3 protein (p.Val498Leu). In summary, the available evidence is currently insufficient to determine the role of this variant in disease. Therefore, it has been classified as a Variant of Uncertain Significance. Advanced modeling of protein sequence and biophysical properties (such as structural, functional, and spatial information, amino acid conservation, physicochemical variation, residue mobility, and thermodynamic stability) performed at Invitae indicates that this missense variant is not expected to disrupt CDH3 protein function. This variant has not been reported in the literature in individuals affected with CDH3-related conditions.

NM_001793.6(CDH3):c.1492G>C (p.Val498Leu)

Gene: CDH3 (cadherin 3; plus strand). Cytogenetic location: 16q22.1.
Variant type: single nucleotide variant.
Coding change: c.1492G>C on transcript NM_001793.6 (MANE Select); coding-DNA position 1492, G replaced by C.
Protein change: p.Val498Leu; replaces valine 498 with leucine.
Molecular consequence: missense variant.
Genome position (GRCh38, 1-based): chr16:68,685,272, G>C. VCF-style: chr16-68685272-G-C. GRCh37 (hg19) VCF-style: chr16-68719175-G-C.
Other names: c.1492G>C, p.Val498Leu (NM_001317195.3); c.1327G>C, p.Val443Leu (NM_001317196.2); short protein forms V498L, V443L.
Identifiers: ClinVar variation 3005659 (VCV003005659.3), dbSNP rs574262103, ClinGen allele CA8129375.